The following is an entry in ClinVar:

ClinVar aggregate classification (germline): Uncertain significance. Review status: criteria provided, multiple submitters, no conflicts (2 of 4 stars). 8 submissions from 8 submitters: Uncertain significance (8). Last evaluated 2024-09-05.

Conditions:
Inborn genetic diseases. Identifiers: MedGen C0950123, MeSH D030342.
Autosomal recessive limb-girdle muscular dystrophy type 2K. Also called: MUSCULAR DYSTROPHY-DYSTROGLYCANOPATHY (LIMB-GIRDLE), TYPE C, 1; MUSCULAR DYSTROPHY, LIMB-GIRDLE, TYPE 2K. Identifiers: Orphanet 86812, MedGen C1836373, MONDO:0012248, OMIM 609308.
Walker-Warburg congenital muscular dystrophy. Also called: Muscular dystrophy-dystroglycanopathy, type A; Walker-Warburg syndrome. Identifiers: Orphanet 899, MedGen C0265221, MONDO:0000171.
Muscular dystrophy-dystroglycanopathy (congenital with impaired intellectual development), type B, 1. Also called: Muscular dystrophy-dystroglycanopathy (congenital with intellectual disability), type B1; MUSCULAR DYSTROPHY, CONGENITAL, POMT1-RELATED. Identifiers: MedGen C5436962, MONDO:0013159, OMIM 613155.

Allele frequency attached by ClinVar (database versions not stated): gnomAD exomes 0.00010 and 0.00018; gnomAD 0.00015 and 0.00013; ExAC 0.00022; TOPMed 0.00016; ESP Exome Variant Server 0.00023.
gnomAD v4.1: 172 of 1,612,992 alleles (0.011%); highest among the groups gnomAD compares: Admixed American, 0.035%; 1 homozygote.

Submissions (8):

Blueprint Genetics
Classification: Uncertain significance. Last evaluated: 2024-09-05. Review status: criteria provided, single submitter. Criteria: ACMG Guidelines, 2015. Collection method: clinical testing. Allele origin: germline.

GeneDx
Classification: Uncertain significance. Last evaluated: 2023-12-13. Review status: criteria provided, single submitter. Criteria: GeneDx Variant Classification Process June 2021. Collection method: clinical testing. Allele origin: germline. Affected: yes.
Comment: In silico analysis supports that this missense variant does not alter protein structure/function; Has not been previously published as pathogenic or benign to our knowledge

Labcorp Genetics (formerly Invitae), Labcorp
Classification: Uncertain significance for Muscular dystrophy-dystroglycanopathy (congenital with impaired intellectual development), type B, 1; Walker-Warburg congenital muscular dystrophy; Autosomal recessive limb-girdle muscular dystrophy type 2K. Last evaluated: 2022-10-17. Review status: criteria provided, single submitter. Criteria: Invitae Variant Classification Sherloc (09022015). Collection method: clinical testing. Allele origin: germline.
Comment: This sequence change replaces valine, which is neutral and non-polar, with leucine, which is neutral and non-polar, at codon 395 of the POMT1 protein (p.Val395Leu). This variant is present in population databases (rs200508760, gnomAD 0.05%). This variant has not been reported in the literature in individuals affected with POMT1-related conditions. ClinVar contains an entry for this variant (Variation ID: 286030). Advanced modeling of protein sequence and biophysical properties (such as structural, functional, and spatial information, amino acid conservation, physicochemical variation, residue mobility, and thermodynamic stability) performed at Invitae indicates that this missense variant is not expected to disrupt POMT1 protein function. In summary, the available evidence is currently insufficient to determine the role of this variant in disease. Therefore, it has been classified as a Variant of Uncertain Significance.

Ambry Genetics
Classification: Uncertain significance for Inborn genetic diseases. Last evaluated: 2021-08-16. Review status: criteria provided, single submitter. Criteria: Ambry Variant Classification Scheme 2023. Collection method: clinical testing. Allele origin: germline.

Athena Diagnostics
Classification: Uncertain significance. Last evaluated: 2019-10-29. Review status: criteria provided, single submitter. Criteria: Athena Diagnostics Criteria. Collection method: clinical testing. Allele origin: unknown.

Revvity Omics, Revvity
Classification: Uncertain significance. Last evaluated: 2019-02-12. Review status: criteria provided, single submitter. Criteria: ACMG Guidelines, 2015. Collection method: clinical testing. Allele origin: germline.

Illumina Laboratory Services, Illumina
Classification: Uncertain significance for Autosomal recessive limb-girdle muscular dystrophy type 2K. Last evaluated: 2018-01-12. Review status: criteria provided, single submitter. Criteria: ICSL Variant Classification Criteria 13 December 2019. Collection method: clinical testing. Allele origin: germline.

Eurofins Ntd Llc (ga)
Classification: Uncertain significance. Last evaluated: 2017-03-21. Review status: criteria provided, single submitter. Criteria: EGL Classification Definitions 2015. Collection method: clinical testing. Allele origin: germline. Observed: 4 variant alleles, 4 heterozygotes.

NM_001077365.2(POMT1):c.1117G>C (p.Val373Leu)

Gene: POMT1 (protein O-mannosyltransferase 1; plus strand). Cytogenetic location: 9q34.13.
Variant type: single nucleotide variant.
Coding change: c.1117G>C on transcript NM_001077365.2 (MANE Select); coding-DNA position 1117, G replaced by C.
Protein change: p.Val373Leu; replaces valine 373 with leucine.
Molecular consequence: missense variant. On other transcripts: non-coding transcript variant (10), intron variant (1).
Genome position (GRCh38, 1-based): chr9:131,513,273, G>C. VCF-style: chr9-131513273-G-C. GRCh37 (hg19) VCF-style: chr9-134388660-G-C.
Other names: c.955G>C, p.Val319Leu (NM_001077366.2, NM_001353194.2); c.1117G>C, p.Val373Leu (NM_001136113.2, NM_001374690.1); c.766G>C, p.Val256Leu (NM_001136114.2, NM_001353195.2, NM_001374691.1 and 1 more transcripts); c.1183G>C, p.Val395Leu (NM_001353193.2, NM_007171.4); c.1027G>C, p.Val343Leu (NM_001353196.2); c.1021G>C, p.Val341Leu (NM_001353197.2, NM_001353198.2); c.832G>C, p.Val278Leu (NM_001353199.2); c.661G>C, p.Val221Leu (NM_001353200.2); and 3 more; short protein forms V395L, V221L, V256L, V319L, V341L, V278L, V343L, V373L.
Identifiers: ClinVar variation 286030 (VCV000286030.21), dbSNP rs200508760, ClinGen allele CA5293542.